The following is an entry in ClinVar:

ClinVar aggregate classification (germline): Uncertain significance (1 of 4 stars; one submission).

Allele frequency attached by ClinVar (database versions not stated): gnomAD exomes 0.00001; ExAC 0.00001.
gnomAD v4.1: 16 of 1,606,492 alleles (0.001%); highest among the groups gnomAD compares: Admixed American, 0.0017%; no homozygotes.

Submission:

Labcorp Genetics (formerly Invitae), Labcorp
Classification: Uncertain significance. Last evaluated: 2022-04-12. Review status: criteria provided, single submitter. Criteria: Invitae Variant Classification Sherloc (09022015). Collection method: clinical testing. Allele origin: germline.
Comment: This sequence change falls in intron 4 of the SLC25A1 gene. It does not directly change the encoded amino acid sequence of the SLC25A1 protein. It affects a nucleotide within the consensus splice site. This variant is present in population databases (rs782491754, gnomAD 0.002%). This variant has not been reported in the literature in individuals affected with SLC25A1-related conditions. Variants that disrupt the consensus splice site are a relatively common cause of aberrant splicing (PMID: 17576681, 9536098). Algorithms developed to predict the effect of sequence changes on RNA splicing suggest that this variant is not likely to affect RNA splicing. In summary, the available evidence is currently insufficient to determine the role of this variant in disease. Therefore, it has been classified as a Variant of Uncertain Significance.

Literature cited by the submitters: PubMed 17576681; PubMed 9536098.

NM_005984.5(SLC25A1):c.441+6G>C

Gene: SLC25A1 (solute carrier family 25 member 1; minus strand). Cytogenetic location: 22q11.21.
Variant type: single nucleotide variant.
Coding change: c.441+6G>C on transcript NM_005984.5 (MANE Select); 6 bases into the intron after coding-DNA position 441, G replaced by C.
Molecular consequence: intron variant.
Genome position (GRCh38, 1-based): chr22:19,177,721, C>G on the plus strand (G>C on the coding strand, the complement: SLC25A1 is on the minus strand). VCF-style: chr22-19177721-C-G. GRCh37 (hg19) VCF-style: chr22-19165234-C-G.
Other names: c.132+6G>C (NM_001287387.2); c.462+6G>C (NM_001256534.2).
Identifiers: ClinVar variation 1519950 (VCV001519950.3), dbSNP rs782491754, ClinGen allele CA10097454.
Genomic context (GRCh38, chr22:19,177,721, plus strand): 5'-GGCCAGCGGGGCCGCCCGTCTCCGTACTCCCTGCGTGTCCGGGGTCCTCGCCAGGACCTT[C>G]CCCACCTTGATGGTCTCCATGGGGCACACGACCACCACGGCCTCGGCCACGCCAGCGCCC-3'